The following is an entry in ClinVar:

NM_003705.5(SLC25A12):c.1684G>A (p.Asp562Asn)

Gene: SLC25A12 (solute carrier family 25 member 12; minus strand). Cytogenetic location: 2q31.1.
Variant type: single nucleotide variant.
Coding change: c.1684G>A on transcript NM_003705.5 (MANE Select); coding-DNA position 1684, G replaced by A.
Protein change: p.Asp562Asn; replaces aspartic acid 562 with asparagine.
Molecular consequence: missense variant. On other transcripts: non-coding transcript variant (1).
Genome position (GRCh38, 1-based): chr2:171,787,849, C>T on the plus strand (G>A on the coding strand, the complement: SLC25A12 is on the minus strand). VCF-style: chr2-171787849-C-T. GRCh37 (hg19) VCF-style: chr2-172644359-C-T.
Other names: c.1684G>A (NM_003705.3); short protein forms D562N.
Identifiers: ClinVar variation 2163383 (VCV002163383.3), dbSNP rs1332081148, ClinGen allele CA349287879.

ClinVar aggregate classification (germline): Uncertain significance. Review status: criteria provided, multiple submitters, no conflicts (2 of 4 stars). 2 submissions from 2 submitters: Uncertain significance (2). Last evaluated 2025-03-06.

Conditions:
Inborn genetic diseases. Identifiers: MedGen C0950123, MeSH D030342.

gnomAD v4.1: 15 of 1,614,178 alleles (0.00093%); highest among the groups gnomAD compares: Admixed American, 0.0033%; no homozygotes.

Submissions (2):

Ambry Genetics
Classification: Uncertain significance for Inborn genetic diseases. Last evaluated: 2025-03-06. Review status: criteria provided, single submitter. Criteria: Ambry Variant Classification Scheme 2023. Collection method: clinical testing. Allele origin: germline.

Labcorp Genetics (formerly Invitae), Labcorp
Classification: Uncertain significance. Last evaluated: 2024-10-22. Review status: criteria provided, single submitter. Criteria: Invitae Variant Classification Sherloc (09022015). Collection method: clinical testing. Allele origin: germline.
Comment: This sequence change replaces aspartic acid, which is acidic and polar, with asparagine, which is neutral and polar, at codon 562 of the SLC25A12 protein (p.Asp562Asn). This variant is present in population databases (no rsID available, gnomAD 0.006%). This variant has not been reported in the literature in individuals affected with SLC25A12-related conditions. ClinVar contains an entry for this variant (Variation ID: 2163383). Invitae Evidence Modeling of protein sequence and biophysical properties (such as structural, functional, and spatial information, amino acid conservation, physicochemical variation, residue mobility, and thermodynamic stability) has been performed for this missense variant. However, the output from this modeling did not meet the statistical confidence thresholds required to predict the impact of this variant on SLC25A12 protein function. In summary, the available evidence is currently insufficient to determine the role of this variant in disease. Therefore, it has been classified as a Variant of Uncertain Significance.